The following is an entry in ClinVar:

NM_020549.5(CHAT):c.1069G>C (p.Gly357Arg)

Gene: CHAT (choline O-acetyltransferase; plus strand). Cytogenetic location: 10q11.23.
Variant type: single nucleotide variant.
Coding change: c.1069G>C on transcript NM_020549.5 (MANE Select); coding-DNA position 1069, G replaced by C.
Protein change: p.Gly357Arg; replaces glycine 357 with arginine.
Molecular consequence: missense variant.
Genome position (GRCh38, 1-based): chr10:49,627,743, G>C. VCF-style: chr10-49627743-G-C. GRCh37 (hg19) VCF-style: chr10-50835789-G-C.
Other names: c.715G>C, p.Gly239Arg (NM_001142929.2, NM_001142934.2, NM_020984.4 and 2 more transcripts); c.823G>C, p.Gly275Arg (NM_001142933.2); short protein forms G275R, G239R, G357R.
Identifiers: ClinVar variation 1878399 (VCV001878399.2), dbSNP rs61731735, ClinGen allele CA376731427.

ClinVar aggregate classification (germline): Uncertain significance (1 of 4 stars; one submission).

Submission:

Women's Health and Genetics/Laboratory Corporation of America, LabCorp
Classification: Uncertain significance. Last evaluated: 2024-11-06. Review status: criteria provided, single submitter. Criteria: LabCorp Variant Classification Summary - May 2015. Collection method: clinical testing. Allele origin: germline.
Comment: Variant summary: CHAT c.1069G>C (p.Gly357Arg) results in a non-conservative amino acid change located in the Choline/carnitine acyltransferase domain (IPR039551) of the encoded protein sequence. Four of five in-silico tools predict a damaging effect of the variant on protein function. The variant was absent in 251200 control chromosomes. The available data on variant occurrences in the general population are insufficient to allow any conclusion about variant significance. c.1069G>C has been reported in the literature in the compound heterozygous state in two siblings suspected of Congenital Myasthenic Syndrome (Tan_2014). This report does not provide unequivocal conclusions about association of the variant with Congenital Myasthenic Syndrome. To our knowledge, no experimental evidence demonstrating an impact on protein function has been reported. The following publication has been ascertained in the context of this evaluation. ClinVar contains an entry for this variant (Variation ID: 1878399). Based on the evidence outlined above, the variant was classified as uncertain significance.